The following is an entry in ClinVar:

ClinVar aggregate classification (germline): Uncertain significance (1 of 4 stars; one submission).

gnomAD v4.1: 16 of 1,613,766 alleles (0.00099%); highest among the groups gnomAD compares: Non-Finnish European, 0.0014%; no homozygotes.

Submission:

Labcorp Genetics (formerly Invitae), Labcorp
Classification: Uncertain significance. Last evaluated: 2024-05-21. Review status: criteria provided, single submitter. Criteria: Invitae Variant Classification Sherloc (09022015). Collection method: clinical testing. Allele origin: germline.
Comment: This sequence change replaces valine, which is neutral and non-polar, with glycine, which is neutral and non-polar, at codon 352 of the CAMK2B protein (p.Val352Gly). This variant is present in population databases (no rsID available, gnomAD 0.0009%). This variant has not been reported in the literature in individuals affected with CAMK2B-related conditions. Algorithms developed to predict the effect of missense changes on protein structure and function output the following: SIFT: "Not Available"; PolyPhen-2: "Benign"; Align-GVGD: "Not Available". The glycine amino acid residue is found in multiple mammalian species, which suggests that this missense change does not adversely affect protein function. In summary, the available evidence is currently insufficient to determine the role of this variant in disease. Therefore, it has been classified as a Variant of Uncertain Significance.

NM_001220.5(CAMK2B):c.1055T>G (p.Val352Gly)

Gene: CAMK2B (calcium/calmodulin dependent protein kinase II beta; minus strand). Cytogenetic location: 7p13.
Variant type: single nucleotide variant.
Coding change: c.1055T>G on transcript NM_001220.5 (MANE Select); coding-DNA position 1055, T replaced by G.
Protein change: p.Val352Gly; replaces valine 352 with glycine.
Molecular consequence: missense variant. On other transcripts: intron variant (1).
Genome position (GRCh38, 1-based): chr7:44,234,643, A>C on the plus strand (T>G on the coding strand, the complement: CAMK2B is on the minus strand). VCF-style: chr7-44234643-A-C. GRCh37 (hg19) VCF-style: chr7-44274242-A-C.
Other names: c.1055T>G, p.Val352Gly (NM_001293170.2, NM_172078.3, NM_172082.3); c.983T>G, p.Val328Gly (NM_172079.3, NM_172081.3, NM_172083.3); c.980T>G, p.Val327Gly (NM_172080.3); c.946+6064T>G (NM_172084.3); short protein forms V328G, V352G, V327G.
Identifiers: ClinVar variation 2782683 (VCV002782683.3), dbSNP rs1315953612, ClinGen allele CA367377369.